The following is an entry in ClinVar:

NM_001144967.3(NEDD4L):c.297+3908G>A

Gene: NEDD4L (NEDD4 like E3 ubiquitin protein ligase; plus strand). Cytogenetic location: 18q21.31.
Variant type: single nucleotide variant.
Coding change: c.297+3908G>A on transcript NM_001144967.3 (MANE Select); 3908 bases into the intron after coding-DNA position 297, G replaced by A.
Molecular consequence: intron variant.
Genome position (GRCh38, 1-based): chr18:58,255,962, G>A. VCF-style: chr18-58255962-G-A. GRCh37 (hg19) VCF-style: chr18-55923194-G-A.
Other names: c.297+3908G>A (NM_015277.6, NM_001243960.2); c.-67+3908G>A (NM_001144964.1, NM_001144971.2, NM_001144965.2 and 2 more transcripts); c.273+3908G>A (NM_001144968.2, NM_001144969.2).
Identifiers: ClinVar variation 2648759 (VCV002648759.25), dbSNP rs185712362, ClinGen allele CA301418926.

ClinVar aggregate classification (germline): Benign/Likely benign. Review status: criteria provided, multiple submitters, no conflicts (2 of 4 stars). 2 submissions from 2 submitters: Benign (1); Likely benign (1). Last evaluated 2023-03-16.

Allele frequency attached by ClinVar (database versions not stated): 1000 Genomes Project 30x 0.00437; 1000 Genomes Project 0.00459.
gnomAD v4.1: 9,879 of 1,230,872 alleles (0.8%); highest among the groups gnomAD compares: Non-Finnish European, 0.86%; 39 homozygotes.

Submissions (2):

Blueprint Genetics
Classification: Likely benign. Last evaluated: 2023-03-16. Review status: criteria provided, single submitter. Criteria: ACMG Guidelines, 2015. Collection method: clinical testing. Allele origin: germline.

CeGaT Center for Human Genetics Tuebingen
Classification: Benign. Last evaluated: 2023-02-01. Review status: criteria provided, single submitter. Criteria: CeGaT Center For Human Genetics Tuebingen Variant Classification Criteria Version 2. Collection method: clinical testing. Allele origin: germline. Affected: yes. Observed: 2 variant alleles.
Comment: NEDD4L: BS1, BS2